The following is an entry in ClinVar:

NM_015001.3(SPEN):c.3271C>G (p.Leu1091Val)

Gene: SPEN (spen family transcriptional repressor; plus strand). Cytogenetic location: 1p36.13.
Variant type: single nucleotide variant.
Coding change: c.3271C>G on transcript NM_015001.3 (MANE Select); coding-DNA position 3271, C replaced by G.
Protein change: p.Leu1091Val; replaces leucine 1091 with valine.
Molecular consequence: missense variant.
Genome position (GRCh38, 1-based): chr1:15,929,511, C>G. VCF-style: chr1-15929511-C-G. GRCh37 (hg19) VCF-style: chr1-16256006-C-G.
Other names: short protein forms L1091V.
Identifiers: ClinVar variation 3039286 (VCV003039286.2), dbSNP rs74054883, ClinGen allele CA619412.

ClinVar aggregate classification (germline): Benign (0 of 4 stars; one submission).

Conditions:
SPEN-related disorder. Also called: SPEN-related condition.

Allele frequency attached by ClinVar (database versions not stated): ExAC 0.00660; gnomAD 0.02059; 1000 Genomes Project 0.02336; TOPMed 0.02400; 1000 Genomes Project 30x 0.02514.
gnomAD v4.1: 6,367 of 1,613,416 alleles (0.39%); highest among the groups gnomAD compares: African/African-American, 7.2%; 194 homozygotes.

Submission:

PreventionGenetics, part of Exact Sciences
Classification: Benign for SPEN-related condition. Last evaluated: 2019-08-13. Review status: no assertion criteria provided. Collection method: clinical testing. Allele origin: germline.
Comment: This variant is classified as benign based on ACMG/AMP sequence variant interpretation guidelines (Richards et al. 2015 PMID: 25741868, with internal and published modifications).